The following is an entry in ClinVar:

NM_007294.4(BRCA1):c.1918C>T (p.Gln640Ter)

Gene: BRCA1 (BRCA1 DNA repair associated; minus strand). Cytogenetic location: 17q21.31.
Variant type: single nucleotide variant.
Coding change: c.1918C>T on transcript NM_007294.4 (MANE Select); coding-DNA position 1918, C replaced by T.
Protein change: p.Gln640Ter; replaces glutamine 640 with a stop codon.
Molecular consequence: nonsense. On other transcripts: intron variant (137).
Genome position (GRCh38, 1-based): chr17:43,093,613, G>A on the plus strand (C>T on the coding strand, the complement: BRCA1 is on the minus strand). VCF-style: chr17-43093613-G-A. GRCh37 (hg19) VCF-style: chr17-41245630-G-A.
Other names: 2037 C>T; c.1705C>T, p.Gln569Ter (NM_001407571.1, NM_001407915.1, NM_001407916.1 and 9 more transcripts); c.1918C>T, p.Gln640Ter (NM_001407581.1, NM_001407582.1, NM_001407583.1 and 30 more transcripts); c.1915C>T, p.Gln639Ter (NM_001407587.1, NM_001407590.1, NM_001407591.1 and 22 more transcripts); c.1840C>T, p.Gln614Ter (NM_001407655.1, NM_001407656.1, NM_001407657.1 and 4 more transcripts); c.1837C>T, p.Gln613Ter (NM_001407659.1, NM_001407660.1, NM_001407661.1 and 1 more transcripts); c.1795C>T, p.Gln599Ter (NM_001407674.1, NM_001407675.1, NM_001407676.1 and 19 more transcripts); c.1777C>T, p.Gln593Ter (NM_001407694.1, NM_001407695.1, NM_001407696.1 and 29 more transcripts); and 41 more; short protein forms Q640*, Q593*, Q472*, Q592*, Q599*, Q614*, Q637*, Q528*.
Identifiers: ClinVar variation 266201 (VCV000266201.18), dbSNP rs886039981, ClinGen allele CA10589909.

ClinVar aggregate classification (germline): Pathogenic. Review status: reviewed by expert panel (3 of 4 stars). 6 submissions from 6 submitters: Pathogenic (1). 5 of the submissions do not count toward it. Last evaluated 2016-10-18.

Conditions:
Hereditary breast ovarian cancer syndrome. Also called: Hereditary breast and ovarian cancer syndrome (HBOC); Breast and ovarian cancer; Hereditary breast and ovarian cancer syndrome; Hereditary breast and ovarian cancer; BRCA1- and BRCA2-Associated Hereditary Breast and Ovarian Cancer; Hereditary breast and/or ovarian cancer syndrome. Identifiers: Orphanet 145, MedGen C0677776, MeSH D061325, MONDO:0003582. Disease mechanism: loss of function.
Breast-ovarian cancer, familial, susceptibility to, 1 (BROVCA1). Also called: BRCA1 Hereditary Breast and Ovarian Cancer; OVARIAN CANCER, SUSCEPTIBILITY TO. Identifiers: Orphanet 145, MedGen C2676676, MONDO:0011450, OMIM 604370. Disease mechanism: loss of function.
Hereditary cancer-predisposing syndrome. Also called: Hereditary Cancer Syndrome; Neoplastic Syndromes, Hereditary; Hereditary neoplastic syndrome; Tumor predisposition. Identifiers: Orphanet 140162, MedGen C0027672, MeSH D009386, MONDO:0015356.

Submissions (6):

Evidence-based Network for the Interpretation of Germline Mutant Alleles (ENIGMA)
Classification: Pathogenic for Breast-ovarian cancer, familial, susceptibility to, 1. Last evaluated: 2016-10-18. Review status: reviewed by expert panel. Criteria: ENIGMA BRCA1/2 Classification Criteria (2015). Collection method: curation. Allele origin: germline.
Comment: Variant allele predicted to encode a truncated non-functional protein.

Ambry Genetics
Classification: Pathogenic for Hereditary cancer-predisposing syndrome. Last evaluated: 2026-02-13. Review status: criteria provided, single submitter. Criteria: Ambry Variant Classification Scheme 2023. Collection method: clinical testing. Allele origin: germline. Not counted in ClinVar's aggregate classification.
Comment: The p.Q640* pathogenic mutation (also known as c.1918C>T), located in coding exon 9 of the BRCA1 gene, results from a C to T substitution at nucleotide position 1918. This changes the amino acid from a glutamine to a stop codon within coding exon 9. This variant is considered to be rare based on population cohorts in the Genome Aggregation Database (gnomAD). This alteration is expected to result in loss of function by premature protein truncation or nonsense-mediated mRNA decay. As such, this alteration is interpreted as a disease-causing mutation.

Molecular Diagnostics Laboratory, Catalan Institute of Oncology
Classification: Pathogenic for Hereditary cancer-predisposing syndrome. Last evaluated: 2024-11-28. Review status: criteria provided, single submitter. Criteria: ClinGen BRCA1BRCA2 ACMG Specifications BRCA1 V1.0.0. Collection method: clinical testing. Allele origin: germline. Not counted in ClinVar's aggregate classification.
Comment: PVS1, PM2_Supporting, PM5_PTC_Strong c.1918C>T, located in exon 10 (11 according BIC nomenclature) of the BRCA1 gene, is a nonsense variant expected to result in loss of function by premature protein truncation and nonsense-mediated mRNA decay, p.(Gln640*) (PVS1, PM5_PTC_Strong). It is not present in the population database gnomAD v2.1.1, non cancer dataset (PM2_Supporting). No effect is predicted on splicing by SpliceAI. To our knowledge, neither relevant clinical data nor well-established functional studies have been reported for this variant. In addition, it was also identified in the following databases: BRCA Exchange (Pathogenic: Variant allele predicted to encode a truncated non-functional protein), ClinVar (3x pathogenic) and LOVD (4x pathogenic). Based on currently available information, the variant c.1918C>T should be considered a pathogenic variant.

Labcorp Genetics (formerly Invitae), Labcorp
Classification: Pathogenic for Hereditary breast ovarian cancer syndrome. Last evaluated: 2023-07-11. Review status: criteria provided, single submitter. Criteria: Invitae Variant Classification Sherloc (09022015). Collection method: clinical testing. Allele origin: germline. Not counted in ClinVar's aggregate classification.
Comment: This sequence change creates a premature translational stop signal (p.Gln640*) in the BRCA1 gene. It is expected to result in an absent or disrupted protein product. Loss-of-function variants in BRCA1 are known to be pathogenic (PMID: 20104584). This variant is not present in population databases (gnomAD no frequency). This premature translational stop signal has been observed in individual(s) with breast and/or ovarian cancer and breast cancer (PMID: 24633894, 28477318). It has also been observed to segregate with disease in related individuals. ClinVar contains an entry for this variant (Variation ID: 266201). For these reasons, this variant has been classified as Pathogenic.

Quest Diagnostics Nichols Institute San Juan Capistrano
Classification: Pathogenic. Last evaluated: 2022-11-01. Review status: criteria provided, single submitter. Criteria: Quest Diagnostics criteria. Collection method: clinical testing. Allele origin: unknown. Not counted in ClinVar's aggregate classification.
Comment: This nonsense variant causes the premature termination of BRCA1 protein synthesis. It has not been reported in large, multi-ethnic general populations. In the published literature, the variant has been reported in individuals with breast cancer (PMID: 24633894 (2014)). The variant has also been reported in a worldwide screening study of BRCA1 mutation positive families (PMID: 29446198 (2018)). Based on the available information, this variant is classified as pathogenic.

Consortium of Investigators of Modifiers of BRCA1/2 (CIMBA), c/o University of Cambridge
Classification: Pathogenic for Breast-ovarian cancer, familial, susceptibility to, 1. Last evaluated: 2015-10-02. Review status: criteria provided, single submitter. Criteria: CIMBA Mutation Classification guidelines May 2016. Collection method: clinical testing. Allele origin: germline. Not counted in ClinVar's aggregate classification.

Literature cited by the submitters: PubMed 20104584 (cited by Labcorp Genetics (formerly Invitae), Labcorp); PubMed 24633894 (cited by Labcorp Genetics (formerly Invitae), Labcorp and Quest Diagnostics Nichols Institute San Juan Capistrano); PubMed 28477318 (cited by Labcorp Genetics (formerly Invitae), Labcorp); PubMed 29446198 (cited by Quest Diagnostics Nichols Institute San Juan Capistrano).